The following is an entry in ClinVar:

ClinVar aggregate classification (germline): Likely benign (1 of 4 stars; one submission).

Allele frequency attached by ClinVar (database versions not stated): 1000 Genomes Project 0.00419; 1000 Genomes Project 30x 0.00500; gnomAD 0.00571; TOPMed 0.00653.
gnomAD v4.1: 859 of 152,356 alleles (0.56%); highest among the groups gnomAD compares: African/African-American, 2%; 5 homozygotes.

Submission:

GeneDx
Classification: Likely benign. Last evaluated: 2019-02-04. Review status: criteria provided, single submitter. Criteria: GeneDx Variant Classification Process June 2021. Collection method: clinical testing. Allele origin: germline. Affected: yes.
Comment: See Variant Classification Assertion Criteria.

NM_004924.6(ACTN4):c.912+153C>T

Gene: ACTN4 (actinin alpha 4; plus strand). Cytogenetic location: 19q13.2.
Variant type: single nucleotide variant.
Coding change: c.912+153C>T on transcript NM_004924.6 (MANE Select); 153 bases into the intron after coding-DNA position 912, C replaced by T.
Molecular consequence: intron variant.
Genome position (GRCh38, 1-based): chr19:38,714,714, C>T. VCF-style: chr19-38714714-C-T. GRCh37 (hg19) VCF-style: chr19-39205354-C-T.
Other names: c.912+153C>T (NM_001322033.2).
Identifiers: ClinVar variation 1706782 (VCV001706782.2), dbSNP rs183143085, ClinGen allele CA308135217.
Genomic context (GRCh38, chr19:38,714,714, plus strand): 5'-GAGATGACCTAGAAAAGGCTGCGTGGTCACAGACCATGGCATTTAGCCAGCTGGTGTGTA[C>T]ACGACCTCTCCGTTTGCTTCCACAAGGCTAAGGGTCAGACCGGCAGCCACCTTGCCAGCC-3'